The following is an entry in ClinVar:

ClinVar aggregate classification (germline): Conflicting classifications of pathogenicity. Review status: criteria provided, conflicting classifications (1 of 4 stars). 5 submissions from 5 submitters: Uncertain significance (1); Likely benign (3). 1 of the submissions does not count toward it. Last evaluated 2026-01-18.

Conditions:
Becker muscular dystrophy (BMD). Also called: Becker Muscular Dystrophy (BMD); MUSCULAR DYSTROPHY, PSEUDOHYPERTROPHIC PROGRESSIVE, BECKER TYPE. Identifiers: Orphanet 98895, MedGen C0917713, MONDO:0010311, OMIM 300376.
Duchenne muscular dystrophy (DMD). Also called: Duchenne Muscular Dystrophy (DMD); MUSCULAR DYSTROPHY, PSEUDOHYPERTROPHIC PROGRESSIVE, DUCHENNE TYPE. Identifiers: Orphanet 98896, MedGen C0013264, MONDO:0010679, OMIM 310200.
Cardiomyopathy (CMYO). Also called: Cardiomyopathies. Identifiers: Orphanet 167848, MedGen C0878544, MONDO:0004994, HP:0001638. Inheritance: Various modes of inheritance.
Dystrophin deficiency.
Cardiovascular phenotype. Identifiers: MedGen CN230736.

Allele frequency attached by ClinVar (database versions not stated): gnomAD exomes 0.00001 and 0.00005; TOPMed 0.00002.
gnomAD v4.1: 54 of 1,209,117 alleles (0.0045%); highest among the groups gnomAD compares: Non-Finnish European, 0.006%; no homozygotes.

Submissions (5):

Labcorp Genetics (formerly Invitae), Labcorp
Classification: Likely benign for Duchenne muscular dystrophy. Last evaluated: 2026-01-18. Review status: criteria provided, single submitter. Criteria: Invitae Variant Classification Sherloc (09022015). Collection method: clinical testing. Allele origin: germline.

Ambry Genetics
Classification: Likely benign for Cardiovascular phenotype. Last evaluated: 2020-12-29. Review status: criteria provided, single submitter. Criteria: Ambry Variant Classification Scheme 2023. Collection method: clinical testing. Allele origin: germline.

Eurofins Ntd Llc (ga)
Classification: Uncertain significance. Last evaluated: 2018-04-09. Review status: criteria provided, single submitter. Criteria: EGL ClinVar v180209 classification definitions. Collection method: clinical testing. Allele origin: germline. Observed: 1 variant allele, 1 hemizygote.

GeneDx
Classification: Likely benign. Last evaluated: 2015-11-30. Review status: criteria provided, single submitter. Criteria: GeneDx Variant Classification (06012015). Collection method: clinical testing. Allele origin: germline. Affected: yes.
Comment: This variant is considered likely benign or benign based on one or more of the following criteria: it is a conservative change, it occurs at a poorly conserved position in the protein, it is predicted to be benign by multiple in silico algorithms, and/or has population frequency not consistent with disease.

Natera, Inc.
Classification: Likely benign for Becker muscular dystrophy; Cardiomyopathy; Duchenne muscular dystrophy; Dystrophin deficiency. Last evaluated: 2020-11-17. Review status: no assertion criteria provided. Collection method: clinical testing. Allele origin: germline. Not counted in ClinVar's aggregate classification.

NM_004006.3(DMD):c.5658T>C (p.Ala1886=)

Gene: DMD (dystrophin; minus strand). Cytogenetic location: Xp21.1.
Variant type: single nucleotide variant.
Coding change: c.5658T>C on transcript NM_004006.3 (MANE Select); coding-DNA position 5658, T replaced by C.
Protein change: p.Ala1886=; no amino-acid change (alanine 1886 retained).
Molecular consequence: synonymous variant.
Genome position (GRCh38, 1-based): chrX:32,343,215, A>G on the plus strand (T>C on the coding strand, the complement: DMD is on the minus strand). VCF-style: chrX-32343215-A-G. GRCh37 (hg19) VCF-style: chrX-32361332-A-G.
Other names: c.5634T>C, p.Ala1878= (NM_000109.4); c.5646T>C, p.Ala1882= (NM_004009.3); c.5289T>C, p.Ala1763= (NM_004010.3); c.1635T>C, p.Ala545= (NM_004011.4); c.1626T>C, p.Ala542= (NM_004012.4).
Identifiers: ClinVar variation 94677 (VCV000094677.18), dbSNP rs398123994, ClinGen allele CA222437.
Genomic context (GRCh38, chrX:32,343,215, plus strand): 5'-GGGCTCAGGTAGGCTGGCTAATTTTTTTTCAATGTCATCCAAGCATTTCAGGAGATCATC[A>G]GCCTGCCTCTTGTACTGATACCACTGATGAGAAATTTCTAGAGCCTTTTTTCTTCTTTGA-3'
Protein context (NP_003997.2, residues 1876-1896): SHQWYQYKRQ[Ala1886=]DDLLKCLDDI